The following is an entry in ClinVar:

ClinVar aggregate classification (germline): Uncertain significance (1 of 4 stars; one submission).

Conditions:
Telangiectasia, hereditary hemorrhagic, type 2 (HHT2). Also called: ACVRL1-Related Hereditary Hemorrhagic Telangiectasia; Telangiectasia, hereditary hemorrhagic, type II. Identifiers: Orphanet 774, MedGen C1838163, MONDO:0010880, OMIM 600376. Disease mechanism: loss of function.

Submission:

Labcorp Genetics (formerly Invitae), Labcorp
Classification: Uncertain significance for Telangiectasia, hereditary hemorrhagic, type 2. Last evaluated: 2023-01-28. Review status: criteria provided, single submitter. Criteria: Invitae Variant Classification Sherloc (09022015). Collection method: clinical testing. Allele origin: germline.
Comment: In summary, the available evidence is currently insufficient to determine the role of this variant in disease. Therefore, it has been classified as a Variant of Uncertain Significance. This variant disrupts the p.Thr271 amino acid residue in ACVRL1. Other variant(s) that disrupt this residue have been observed in individuals with ACVRL1-related conditions (PMID: 32300199; Invitae), which suggests that this may be a clinically significant amino acid residue. Advanced modeling of protein sequence and biophysical properties (such as structural, functional, and spatial information, amino acid conservation, physicochemical variation, residue mobility, and thermodynamic stability) performed at Invitae indicates that this missense variant is expected to disrupt ACVRL1 protein function. This missense change has been observed in individual(s) with hereditary hemorrhagic telangiectasia (Invitae). This variant is not present in population databases (gnomAD no frequency). This sequence change replaces threonine, which is neutral and polar, with arginine, which is basic and polar, at codon 271 of the ACVRL1 protein (p.Thr271Arg).

Literature cited by the submitters: PubMed 32300199.

NM_000020.3(ACVRL1):c.812C>G (p.Thr271Arg)

Gene: ACVRL1 (activin A receptor like type 1; plus strand). Cytogenetic location: 12q13.13.
Variant type: single nucleotide variant.
Coding change: c.812C>G on transcript NM_000020.3 (MANE Select); coding-DNA position 812, C replaced by G.
Protein change: p.Thr271Arg; replaces threonine 271 with arginine.
Molecular consequence: missense variant.
Genome position (GRCh38, 1-based): chr12:51,915,264, C>G. VCF-style: chr12-51915264-C-G. GRCh37 (hg19) VCF-style: chr12-52309048-C-G.
Other names: c.812C>G, p.Thr271Arg (NM_001077401.2, NM_001406487.1, NM_001406488.1 and 1 more transcripts); c.500C>G, p.Thr167Arg (NM_001406490.1, NM_001406491.1, NM_001406492.1 and 2 more transcripts); c.248C>G, p.Thr83Arg (NM_001406495.1); short protein forms T167R, T271R, T83R.
Identifiers: ClinVar variation 2001605 (VCV002001605.4), dbSNP rs2139072795, ClinGen allele CA384900417.